The following is an entry in ClinVar:

ClinVar aggregate classification (germline): Uncertain significance (1 of 4 stars; one submission).

Conditions:
Fanconi anemia (FA). Also called: Fanconi's anemia. Identifiers: Orphanet 84, MedGen C0015625, MeSH D005199, MONDO:0019391.

gnomAD v4.1: 7 of 1,612,880 alleles (0.00043%); highest among the groups gnomAD compares: Non-Finnish European, 0.00059%; no homozygotes.

Submission:

Labcorp Genetics (formerly Invitae), Labcorp
Classification: Uncertain significance for Fanconi anemia. Last evaluated: 2022-02-08. Review status: criteria provided, single submitter. Criteria: Invitae Variant Classification Sherloc (09022015). Collection method: clinical testing. Allele origin: germline.
Comment: This sequence change replaces valine, which is neutral and non-polar, with isoleucine, which is neutral and non-polar, at codon 262 of the FANCD2 protein (p.Val262Ile). This variant is not present in population databases (gnomAD no frequency). This variant has not been reported in the literature in individuals affected with FANCD2-related conditions. Algorithms developed to predict the effect of missense changes on protein structure and function output the following: SIFT: "Tolerated"; PolyPhen-2: "Benign"; Align-GVGD: "Class C0". The isoleucine amino acid residue is found in multiple mammalian species, which suggests that this missense change does not adversely affect protein function. In summary, the available evidence is currently insufficient to determine the role of this variant in disease. Therefore, it has been classified as a Variant of Uncertain Significance.

NM_001018115.3(FANCD2):c.784G>A (p.Val262Ile)

Genes: FANCD2 (FA complementation group D2; plus strand), LOC107303338 (3p25 FANCD2 Alu-mediated recombination region; plus strand). Cytogenetic location: 3p25.3.
Variant type: single nucleotide variant.
Coding change: c.784G>A on transcript NM_001018115.3 (MANE Select); coding-DNA position 784, G replaced by A.
Protein change: p.Val262Ile; replaces valine 262 with isoleucine.
Molecular consequence: missense variant.
Genome position (GRCh38, 1-based): chr3:10,042,559, G>A. VCF-style: chr3-10042559-G-A. GRCh37 (hg19) VCF-style: chr3-10084243-G-A.
Other names: c.784G>A, p.Val262Ile (NM_001319984.2, NM_001374253.1, NM_001374254.1 and 1 more transcripts); short protein forms V262I.
Identifiers: ClinVar variation 2167734 (VCV002167734.2), dbSNP rs757891672, ClinGen allele CA351727969.
Genomic context (GRCh38, chr3:10,042,559, plus strand): 5'-AGTACAAAGTTGAGGTAGTGACATGAAAACCTATTAAGTTTCTGTGCTTTTAATTTTTAG[G>A]TTCGCCAGTTGGTGATGGATAAGTTGTCGTCTATTAGATTGGAGGATTTACCTGTGATAA-3'
Protein context (NP_001018125.1, residues 252-272): LRLDPNFLLK[Val262Ile]RQLVMDKLSS